The following is an entry in ClinVar:

NM_199242.3(UNC13D):c.2666G>C (p.Arg889Pro)

Genes: UNC13D (unc-13 homolog D; minus strand), LOC112533672 (Sharpr-MPRA regulatory region 1193; plus strand). Cytogenetic location: 17q25.1.
Variant type: single nucleotide variant.
Coding change: c.2666G>C on transcript NM_199242.3 (MANE Select); coding-DNA position 2666, G replaced by C.
Protein change: p.Arg889Pro; replaces arginine 889 with proline.
Molecular consequence: missense variant.
Genome position (GRCh38, 1-based): chr17:75,830,621, C>G on the plus strand (G>C on the coding strand, the complement: UNC13D is on the minus strand). VCF-style: chr17-75830621-C-G. GRCh37 (hg19) VCF-style: chr17-73826702-C-G.
Other names: short protein forms R889P.
Identifiers: ClinVar variation 1037378 (VCV001037378.7), dbSNP rs371000216, ClinGen allele CA8772436.

ClinVar aggregate classification (germline): Uncertain significance (1 of 4 stars; one submission).

Conditions:
Familial hemophagocytic lymphohistiocytosis 3 (FHL3). Also called: UNC13D-Related Familial Hemophagocytic Lymphohistiocytosis (UNC13D-fHLH). Identifiers: Orphanet 540, MedGen C1837174, MONDO:0012146, OMIM 608898.

Submission:

Labcorp Genetics (formerly Invitae), Labcorp
Classification: Uncertain significance for Familial hemophagocytic lymphohistiocytosis 3. Last evaluated: 2020-02-03. Review status: criteria provided, single submitter. Criteria: Invitae Variant Classification Sherloc (09022015). Collection method: clinical testing. Allele origin: germline.
Comment: In summary, the available evidence is currently insufficient to determine the role of this variant in disease. Therefore, it has been classified as a Variant of Uncertain Significance. Algorithms developed to predict the effect of missense changes on protein structure and function (SIFT, PolyPhen-2, Align-GVGD) all suggest that this variant is likely to be tolerated, but these predictions have not been confirmed by published functional studies and their clinical significance is uncertain. This variant has not been reported in the literature in individuals with UNC13D-related conditions. The frequency data for this variant in the population databases is considered unreliable, as metrics indicate poor data quality at this position in the ExAC database. This sequence change replaces arginine with proline at codon 889 of the UNC13D protein (p.Arg889Pro). The arginine residue is weakly conserved and there is a moderate physicochemical difference between arginine and proline.